The following is an entry in ClinVar:

NM_001113378.2(FANCI):c.3816+93G>C

Gene: FANCI (FA complementation group I; plus strand). Cytogenetic location: 15q26.1.
Variant type: single nucleotide variant.
Coding change: c.3816+93G>C on transcript NM_001113378.2 (MANE Select); 93 bases into the intron after coding-DNA position 3816, G replaced by C.
Molecular consequence: intron variant.
Genome position (GRCh38, 1-based): chr15:89,314,800, G>C. VCF-style: chr15-89314800-G-C. GRCh37 (hg19) VCF-style: chr15-89858031-G-C.
Other names: c.3636+93G>C (NM_018193.3); c.3816+93G>C (NM_001376911.1); c.3537+93G>C (NM_001376910.1).
Identifiers: ClinVar variation 1804554 (VCV001804554.1), dbSNP rs559827805, ClinGen allele CA274533893.

ClinVar aggregate classification (germline): Likely benign (1 of 4 stars; one submission).

Allele frequency attached by ClinVar (database versions not stated): 1000 Genomes Project 30x 0.00031; 1000 Genomes Project 0.00060.
gnomAD v4.1: 834 of 784,100 alleles (0.11%); highest among the groups gnomAD compares: East Asian, 0.25%; 8 homozygotes.

Submission:

GeneDx
Classification: Likely benign. Last evaluated: 2019-03-09. Review status: criteria provided, single submitter. Criteria: GeneDx Variant Classification Process June 2021. Collection method: clinical testing. Allele origin: germline. Affected: yes.
Comment: See Variant Classification Assertion Criteria.